The following is an entry in ClinVar:

ClinVar aggregate classification (germline): Uncertain significance. Review status: criteria provided, multiple submitters, no conflicts (2 of 4 stars). 2 submissions from 2 submitters: Uncertain significance (2). Last evaluated 2025-11-17.

Conditions:
Cardiovascular phenotype. Identifiers: MedGen CN230736.
X-linked myopathy with postural muscle atrophy. Also called: FHL1-Related Emery-Dreifuss Muscular Dystrophy, X-Linked. Identifiers: Orphanet 178461, MedGen C2678055, MONDO:0010401, OMIM 300696.

gnomAD v4.1: 4 of 1,212,216 alleles (0.00033%); highest among the groups gnomAD compares: Non-Finnish European, 0.00045%; no homozygotes.

Submissions (2):

Labcorp Genetics (formerly Invitae), Labcorp
Classification: Uncertain significance for X-linked myopathy with postural muscle atrophy. Last evaluated: 2025-11-17. Review status: criteria provided, single submitter. Criteria: Invitae Variant Classification Sherloc (09022015). Collection method: clinical testing. Allele origin: germline.
Comment: This sequence change replaces threonine, which is neutral and polar, with isoleucine, which is neutral and non-polar, at codon 156 of the FHL1 protein (p.Thr156Ile). This variant is not present in population databases (gnomAD no frequency). This variant has not been reported in the literature in individuals affected with FHL1-related conditions. ClinVar contains an entry for this variant (Variation ID: 2565498). An algorithm developed to predict the effect of missense changes on protein structure and function (PolyPhen-2) suggests that this variant is likely to be tolerated. In summary, the available evidence is currently insufficient to determine the role of this variant in disease. Therefore, it has been classified as a Variant of Uncertain Significance.

Ambry Genetics
Classification: Uncertain significance for Cardiovascular phenotype. Last evaluated: 2023-05-22. Review status: criteria provided, single submitter. Criteria: Ambry Variant Classification Scheme 2023. Collection method: clinical testing. Allele origin: germline.
Comment: The p.T156I variant (also known as c.467C>T), located in coding exon 3 of the FHL1 gene, results from a C to T substitution at nucleotide position 467. The threonine at codon 156 is replaced by isoleucine, an amino acid with similar properties. This amino acid position is conserved. In addition, this alteration is predicted to be tolerated by in silico analysis. Since supporting evidence is limited at this time, the clinical significance of this alteration remains unclear.

NM_001159699.2(FHL1):c.515C>T (p.Thr172Ile)

Gene: FHL1 (four and a half LIM domains 1; plus strand). Cytogenetic location: Xq26.3.
Variant type: single nucleotide variant.
Coding change: c.515C>T on transcript NM_001159699.2 (MANE Select); coding-DNA position 515, C replaced by T.
Protein change: p.Thr172Ile; replaces threonine 172 with isoleucine.
Molecular consequence: missense variant. On other transcripts: non-coding transcript variant (1).
Genome position (GRCh38, 1-based): chrX:136,207,927, C>T. VCF-style: chrX-136207927-C-T. GRCh37 (hg19) VCF-style: chrX-135290086-C-T.
Other names: c.467C>T, p.Thr156Ile (NM_001159700.2, NM_001159702.3, NM_001159703.2 and 9 more transcripts); c.554C>T, p.Thr185Ile (NM_001159701.2); c.515C>T, p.Thr172Ile (NM_001330659.2); short protein forms T185I, T172I, T156I.
Identifiers: ClinVar variation 2565498 (VCV002565498.3), dbSNP rs763012291, ClinGen allele CA10525020.
Genomic context (GRCh38, chrX:136,207,927, plus strand): 5'-TCGGGACTGGAAGCTTCTTCCCTAAAGGGGAGGACTTCTACTGCGTGACTTGCCATGAGA[C>T]CAAGTTTGCCAAGCATTGCGTGAAGTGCAACAAGGTATGCTTTCAAGGGAGTTCTGCATT-3'
Protein context (NP_001153171.1, residues 162-182): EDFYCVTCHE[Thr172Ile]KFAKHCVKCN